The following is an entry in ClinVar:

NM_022552.5(DNMT3A):c.1133G>A (p.Ser378Asn)

Gene: DNMT3A (DNA methyltransferase 3 alpha; minus strand). Cytogenetic location: 2p23.3.
Variant type: single nucleotide variant.
Coding change: c.1133G>A on transcript NM_022552.5 (MANE Select); coding-DNA position 1133, G replaced by A.
Protein change: p.Ser378Asn; replaces serine 378 with asparagine.
Molecular consequence: missense variant. On other transcripts: non-coding transcript variant (1).
Genome position (GRCh38, 1-based): chr2:25,246,766, C>T on the plus strand (G>A on the coding strand, the complement: DNMT3A is on the minus strand). VCF-style: chr2-25246766-C-T. GRCh37 (hg19) VCF-style: chr2-25469635-C-T.
Other names: c.677G>A, p.Ser226Asn (NM_001320893.1); c.464G>A, p.Ser155Asn (NM_001375819.1); c.566G>A, p.Ser189Asn (NM_153759.3); c.1133G>A, p.Ser378Asn (NM_175629.2); short protein forms S378N, S155N, S189N, S226N.
Identifiers: ClinVar variation 4996752 (VCV004996752.1).
Genomic context (GRCh38, chr2:25,246,766, plus strand): 5'-GCCTTGGCAGTGTCACTCTCATCGCTGTCGTGGCACACCGGGAACAGCTTCCCCGCGCGG[C>T]TGCTGGCCACCTGGAGGGTGACACGCCAGGGTTGGGGTTGTCAGGACAGGCTGGAAGGCA-3'
Protein context (NP_072046.2, residues 368-388): AIYEVLQVAS[Ser378Asn]RAGKLFPVCH

ClinVar aggregate classification (germline): Uncertain significance (1 of 4 stars; one submission).

Conditions:
DNMT3A-related disorder. Also called: DNMT3A-related disorders; DNMT3A-related condition.

gnomAD v4.1: 1 of 1,613,318 alleles (0.000062%); highest among the groups gnomAD compares: Non-Finnish European, 0.000085%; no homozygotes.

Submission:

PreventionGenetics, part of Exact Sciences
Classification: Uncertain significance for DNMT3A-related condition. Last evaluated: 2025-02-17. Review status: criteria provided, single submitter. Criteria: ACMG Guidelines, 2015. Collection method: clinical testing. Allele origin: germline.
Comment: The DNMT3A c.1133G>A variant is predicted to result in the amino acid substitution p.Ser378Asn. To our knowledge, this variant has not been reported in the literature. This variant is reported in 0.0065% of alleles in individuals of European (Non-Finnish) descent in gnomAD. At this time, the clinical significance of this variant is uncertain due to the absence of conclusive functional and genetic evidence.